The following is an entry in ClinVar:

ClinVar aggregate classification (germline): Uncertain significance (1 of 4 stars; one submission).

Conditions:
Gorlin syndrome. Also called: Nevoid Basal Cell Carcinoma Syndrome; Basal cell nevus syndrome. Identifiers: Orphanet 377, MedGen C0004779, MONDO:0007187.

Submission:

Labcorp Genetics (formerly Invitae), Labcorp
Classification: Uncertain significance for Gorlin syndrome. Last evaluated: 2023-11-27. Review status: criteria provided, single submitter. Criteria: Invitae Variant Classification Sherloc (09022015). Collection method: clinical testing. Allele origin: germline.
Comment: This sequence change replaces glycine, which is neutral and non-polar, with aspartic acid, which is acidic and polar, at codon 990 of the PTCH2 protein (p.Gly990Asp). This variant is not present in population databases (gnomAD no frequency). This variant has not been reported in the literature in individuals affected with PTCH2-related conditions. Advanced modeling of protein sequence and biophysical properties (such as structural, functional, and spatial information, amino acid conservation, physicochemical variation, residue mobility, and thermodynamic stability) performed at Invitae indicates that this missense variant is not expected to disrupt PTCH2 protein function with a negative predictive value of 80%. In summary, the available evidence is currently insufficient to determine the role of this variant in disease. Therefore, it has been classified as a Variant of Uncertain Significance.

NM_003738.5(PTCH2):c.2969G>A (p.Gly990Asp)

Gene: PTCH2 (patched 2; minus strand). Cytogenetic location: 1p34.1.
Variant type: single nucleotide variant.
Coding change: c.2969G>A on transcript NM_003738.5 (MANE Select); coding-DNA position 2969, G replaced by A.
Protein change: p.Gly990Asp; replaces glycine 990 with aspartic acid.
Molecular consequence: missense variant.
Genome position (GRCh38, 1-based): chr1:44,826,495, C>T on the plus strand (G>A on the coding strand, the complement: PTCH2 is on the minus strand). VCF-style: chr1-44826495-C-T. GRCh37 (hg19) VCF-style: chr1-45292167-C-T.
Other names: c.2969G>A, p.Gly990Asp (NM_001166292.2); short protein forms G990D.
Identifiers: ClinVar variation 2811584 (VCV002811584.3), dbSNP rs1653147655, ClinGen allele CA340108775.